The following is an entry in ClinVar:

ClinVar aggregate classification (germline): Conflicting classifications of pathogenicity. Review status: criteria provided, conflicting classifications (1 of 4 stars). 3 submissions from 3 submitters: Pathogenic (1); Uncertain significance (1). 1 of the submissions does not count toward it. Last evaluated 2024-12-09.

Conditions:
Kabuki syndrome. Also called: Kabuki make-up syndrome; NIIKAWA-KUROKI SYNDROME. Identifiers: Orphanet 2322, MedGen C0796004, MONDO:0016512.
Kabuki syndrome 1 (KABUK1). Also called: KMT2D-Related Kabuki Syndrome. Identifiers: Orphanet 2322, MedGen CN030661, MONDO:0007843, OMIM 147920.

Submissions (3):

Labcorp Genetics (formerly Invitae), Labcorp
Classification: Pathogenic for Kabuki syndrome. Last evaluated: 2024-12-09. Review status: criteria provided, single submitter. Criteria: Invitae Variant Classification Sherloc (09022015). Collection method: clinical testing. Allele origin: germline.
Comment: This sequence change replaces threonine, which is neutral and polar, with methionine, which is neutral and non-polar, at codon 5464 of the KMT2D protein (p.Thr5464Met). This variant is not present in population databases (gnomAD no frequency). This missense change has been observed in individuals with Kabuki syndrome (PMID: 20711175, 25142838). It has also been observed to segregate with disease in related individuals. ClinVar contains an entry for this variant (Variation ID: 7539). Invitae Evidence Modeling of protein sequence and biophysical properties (such as structural, functional, and spatial information, amino acid conservation, physicochemical variation, residue mobility, and thermodynamic stability) indicates that this missense variant is expected to disrupt KMT2D protein function with a positive predictive value of 95%. For these reasons, this variant has been classified as Pathogenic.

Eurofins Ntd Llc (ga)
Classification: Uncertain significance. Last evaluated: 2014-03-18. Review status: criteria provided, single submitter. Criteria: EGL Classification Definitions 2015. Collection method: clinical testing. Allele origin: germline. Observed: 1 variant allele, 1 heterozygote.

OMIM
Classification: Pathogenic for KABUKI SYNDROME 1. Last evaluated: 2010-09-01. Review status: no assertion criteria provided. Collection method: literature only. Allele origin: germline. Not counted in ClinVar's aggregate classification.

Literature cited by the submitters: PubMed 20711175 (cited by Labcorp Genetics (formerly Invitae), Labcorp and OMIM); PubMed 25142838 (cited by Labcorp Genetics (formerly Invitae), Labcorp).

NM_003482.4(KMT2D):c.16391C>T (p.Thr5464Met)

Gene: KMT2D (lysine methyltransferase 2D; minus strand). Cytogenetic location: 12q13.12.
Variant type: single nucleotide variant.
Coding change: c.16391C>T on transcript NM_003482.4 (MANE Select); coding-DNA position 16391, C replaced by T.
Protein change: p.Thr5464Met; replaces threonine 5464 with methionine.
Molecular consequence: missense variant.
Genome position (GRCh38, 1-based): chr12:49,022,301, G>A on the plus strand (C>T on the coding strand, the complement: KMT2D is on the minus strand). VCF-style: chr12-49022301-G-A. GRCh37 (hg19) VCF-style: chr12-49416084-G-A.
Other names: short protein forms T5464M.
Identifiers: ClinVar variation 7539 (VCV000007539.9), dbSNP rs267607238, ClinGen allele CA234161.